The following is an entry in ClinVar:

ClinVar aggregate classification (germline): Uncertain significance (1 of 4 stars; one submission).

Allele frequency attached by ClinVar (database versions not stated): TOPMed 0.00002; gnomAD exomes below 0.00001; gnomAD 0.00002.
gnomAD v4.1: 5 of 1,612,848 alleles (0.00031%); highest among the groups gnomAD compares: African/African-American, 0.0067%; no homozygotes.

Submission:

Labcorp Genetics (formerly Invitae), Labcorp
Classification: Uncertain significance. Last evaluated: 2025-03-24. Review status: criteria provided, single submitter. Criteria: Invitae Variant Classification Sherloc (09022015). Collection method: clinical testing. Allele origin: germline.
Comment: This sequence change replaces asparagine, which is neutral and polar, with serine, which is neutral and polar, at codon 170 of the CD46 protein (p.Asn170Ser). This variant is present in population databases (no rsID available, gnomAD 0.02%). This variant has not been reported in the literature in individuals affected with CD46-related conditions. ClinVar contains an entry for this variant (Variation ID: 2978288). Invitae Evidence Modeling of protein sequence and biophysical properties (such as structural, functional, and spatial information, amino acid conservation, physicochemical variation, residue mobility, and thermodynamic stability) indicates that this missense variant is expected to disrupt CD46 protein function with a positive predictive value of 80%. In summary, the available evidence is currently insufficient to determine the role of this variant in disease. Therefore, it has been classified as a Variant of Uncertain Significance.

NM_172351.3(CD46):c.509A>G (p.Asn170Ser)

Gene: CD46 (CD46 molecule; plus strand). Cytogenetic location: 1q32.2.
Variant type: single nucleotide variant.
Coding change: c.509A>G on transcript NM_172351.3 (MANE Select); coding-DNA position 509, A replaced by G.
Protein change: p.Asn170Ser; replaces asparagine 170 with serine.
Molecular consequence: missense variant.
Genome position (GRCh38, 1-based): chr1:207,761,282, A>G. VCF-style: chr1-207761282-A-G. GRCh37 (hg19) VCF-style: chr1-207934627-A-G.
Other names: c.509A>G, p.Asn170Ser (NM_002389.4, NM_153826.4, NM_172350.3 and 8 more transcripts); short protein forms N170S.
Identifiers: ClinVar variation 2978288 (VCV002978288.3), dbSNP rs1427846428, ClinGen allele CA344548848.